The following is an entry in ClinVar:

NM_001130009.3(GEN1):c.1466C>T (p.Ser489Leu)

Gene: GEN1 (GEN1 structure-specific endonuclease; plus strand). Cytogenetic location: 2p24.2.
Variant type: single nucleotide variant.
Coding change: c.1466C>T on transcript NM_001130009.3 (MANE Select); coding-DNA position 1466, C replaced by T.
Protein change: p.Ser489Leu; replaces serine 489 with leucine.
Molecular consequence: missense variant.
Genome position (GRCh38, 1-based): chr2:17,780,678, C>T. VCF-style: chr2-17780678-C-T. GRCh37 (hg19) VCF-style: chr2-17961945-C-T.
Other names: c.1466C>T (NM_001130009.1); c.1466C>T, p.Ser489Leu (NM_182625.5); short protein forms S489L.
Identifiers: ClinVar variation 1720138 (VCV001720138.6), dbSNP rs2545626199, ClinGen allele CA345925921.
Genomic context (GRCh38, chr2:17,780,678, plus strand): 5'-CAGGTATTAAGCCTAAAGAAAACAATTTGCCAGAACCAGATGAAGTAATGAGCTTTCAGT[C>T]ACACATGACTTTAAAACCCACATGTGAAATCTTTCATAAGCAGAATTCCAAGTTAAATTC-3'
Protein context (NP_001123481.3, residues 479-499): PEPDEVMSFQ[Ser489Leu]HMTLKPTCEI

ClinVar aggregate classification (germline): Uncertain significance. Review status: criteria provided, multiple submitters, no conflicts (2 of 4 stars). 2 submissions from 2 submitters: Uncertain significance (2). Last evaluated 2026-06-27.

Submissions (2):

Ambry Genetics
Classification: Uncertain significance. Last evaluated: 2026-06-27. Review status: criteria provided, single submitter. Criteria: Ambry Variant Classification Scheme 2023. Collection method: clinical testing. Allele origin: germline.
Comment: The p.S489L variant (also known as c.1466C>T), located in coding exon 13 of the GEN1 gene, results from a C to T substitution at nucleotide position 1466. The serine at codon 489 is replaced by leucine, an amino acid with dissimilar properties. This amino acid position is conserved. In addition, the in silico prediction for this alteration is inconclusive. Based on the available evidence, the clinical significance of this variant remains unclear.

Labcorp Genetics (formerly Invitae), Labcorp
Classification: Uncertain significance. Last evaluated: 2022-09-23. Review status: criteria provided, single submitter. Criteria: Invitae Variant Classification Sherloc (09022015). Collection method: clinical testing. Allele origin: germline.
Comment: Algorithms developed to predict the effect of missense changes on protein structure and function are either unavailable or do not agree on the potential impact of this missense change (SIFT: "Tolerated"; PolyPhen-2: "Probably Damaging"; Align-GVGD: "Class C0"). In summary, the available evidence is currently insufficient to determine the role of this variant in disease. Therefore, it has been classified as a Variant of Uncertain Significance. This variant has not been reported in the literature in individuals affected with GEN1-related conditions. This variant is not present in population databases (gnomAD no frequency). This sequence change replaces serine, which is neutral and polar, with leucine, which is neutral and non-polar, at codon 489 of the GEN1 protein (p.Ser489Leu).